The following is an entry in ClinVar:

NM_000465.4(BARD1):c.2059C>T (p.Pro687Ser)

Gene: BARD1 (BRCA1 associated RING domain 1; minus strand). Cytogenetic location: 2q35.
Variant type: single nucleotide variant.
Coding change: c.2059C>T on transcript NM_000465.4 (MANE Select); coding-DNA position 2059, C replaced by T.
Protein change: p.Pro687Ser; replaces proline 687 with serine.
Molecular consequence: missense variant. On other transcripts: non-coding transcript variant (3).
Genome position (GRCh38, 1-based): chr2:214,728,951, G>A on the plus strand (C>T on the coding strand, the complement: BARD1 is on the minus strand). VCF-style: chr2-214728951-G-A. GRCh37 (hg19) VCF-style: chr2-215593675-G-A.
Other names: c.2002C>T, p.Pro668Ser (NM_001282543.2); c.706C>T, p.Pro236Ser (NM_001282545.2); c.649C>T, p.Pro217Ser (NM_001282548.2); c.520C>T, p.Pro174Ser (NM_001282549.2); short protein forms P687S, P174S, P668S, P217S, P236S.
Identifiers: ClinVar variation 479184 (VCV000479184.15), dbSNP rs1553612216, ClinGen allele CA350450701.
Genomic context (GRCh38, chr2:214,728,951, plus strand): 5'-GCTTTCTACTGAGGATCTGGCCCCCACCTGCAGTGACGAGCTTAATAAGGTTGTCCTTTG[G>A]ATGGTGTTTGAAGGTTCCCCACAAATAGAAGTAGCATCCATCAAACAGCTTTGGCAACTG-3'
Protein context (NP_000456.2, residues 677-697): FYLWGTFKHH[Pro687Ser]KDNLIKLVTA

ClinVar aggregate classification (germline): Conflicting classifications of pathogenicity. Review status: criteria provided, conflicting classifications (1 of 4 stars). 2 submissions from 2 submitters: Uncertain significance (1); Likely benign (1). Last evaluated 2024-02-23.

Conditions:
Familial cancer of breast. Also called: BREAST CANCER, FAMILIAL; hereditary breast carcinoma; Hereditary breast cancer. Identifiers: Orphanet 227535, MedGen C0346153, MONDO:0016419, OMIM 114480. Disease mechanism: loss of function.
Hereditary cancer-predisposing syndrome. Also called: Neoplastic Syndromes, Hereditary; Hereditary Cancer Syndrome; Hereditary neoplastic syndrome; Tumor predisposition. Identifiers: Orphanet 140162, MedGen C0027672, MeSH D009386, MONDO:0015356.

Submissions (2):

Ambry Genetics
Classification: Likely benign for Hereditary cancer-predisposing syndrome. Last evaluated: 2024-02-23. Review status: criteria provided, single submitter. Criteria: Ambry Variant Classification Scheme 2023. Collection method: clinical testing. Allele origin: germline.

Labcorp Genetics (formerly Invitae), Labcorp
Classification: Uncertain significance for Familial cancer of breast. Last evaluated: 2023-08-03. Review status: criteria provided, single submitter. Criteria: Invitae Variant Classification Sherloc (09022015). Collection method: clinical testing. Allele origin: germline.
Comment: In summary, the available evidence is currently insufficient to determine the role of this variant in disease. Therefore, it has been classified as a Variant of Uncertain Significance. Algorithms developed to predict the effect of missense changes on protein structure and function output the following: SIFT: "Not Available"; PolyPhen-2: "Benign"; Align-GVGD: "Not Available". The serine amino acid residue is found in multiple mammalian species, which suggests that this missense change does not adversely affect protein function. ClinVar contains an entry for this variant (Variation ID: 479184). This variant has not been reported in the literature in individuals affected with BARD1-related conditions. This variant is not present in population databases (gnomAD no frequency). This sequence change replaces proline, which is neutral and non-polar, with serine, which is neutral and polar, at codon 687 of the BARD1 protein (p.Pro687Ser).